The following is an entry in ClinVar:

ClinVar aggregate classification (germline): Uncertain significance (1 of 4 stars; one submission).

Conditions:
Mosaic variegated aneuploidy syndrome 1 (MVA1). Also called: Warburton-Anyane-Yeboa syndrome. Identifiers: Orphanet 1052, MedGen C1850343, MONDO:0009759, OMIM 257300.

Submission:

Labcorp Genetics (formerly Invitae), Labcorp
Classification: Uncertain significance for Mosaic variegated aneuploidy syndrome 1. Last evaluated: 2024-07-08. Review status: criteria provided, single submitter. Criteria: Invitae Variant Classification Sherloc (09022015). Collection method: clinical testing. Allele origin: germline.
Comment: This sequence change replaces proline, which is neutral and non-polar, with arginine, which is basic and polar, at codon 586 of the BUB1B protein (p.Pro586Arg). This variant is not present in population databases (gnomAD no frequency). This variant has not been reported in the literature in individuals affected with BUB1B-related conditions. An algorithm developed to predict the effect of missense changes on protein structure and function (PolyPhen-2) suggests that this variant is likely to be disruptive. In summary, the available evidence is currently insufficient to determine the role of this variant in disease. Therefore, it has been classified as a Variant of Uncertain Significance.

NM_001211.6(BUB1B):c.1757C>G (p.Pro586Arg)

Gene: BUB1B (BUB1 mitotic checkpoint serine/threonine kinase B; plus strand). Cytogenetic location: 15q15.1.
Variant type: single nucleotide variant.
Coding change: c.1757C>G on transcript NM_001211.6 (MANE Select); coding-DNA position 1757, C replaced by G.
Protein change: p.Pro586Arg; replaces proline 586 with arginine.
Molecular consequence: missense variant.
Genome position (GRCh38, 1-based): chr15:40,206,206, C>G. VCF-style: chr15-40206206-C-G. GRCh37 (hg19) VCF-style: chr15-40498407-C-G.
Other names: short protein forms P586R.
Identifiers: ClinVar variation 2896154 (VCV002896154.3), dbSNP rs2037634133, ClinGen allele CA391692227.
Genomic context (GRCh38, chr15:40,206,206, plus strand): 5'-AAATATTTTAGCTAAACTTTATATGGTCTTTATTTCAGGATGAATTTACAGGAATTGAAC[C>G]CTTGAGCGAGGATGCCATTATCACAGGCTTCAGAAATGTAACAATTTGTCCTAACCCAGA-3'
Protein context (NP_001202.5, residues 576-596): DVCDEFTGIE[Pro586Arg]LSEDAIITGF